The following is an entry in ClinVar:

ClinVar aggregate classification (germline): Uncertain significance (1 of 4 stars; one submission).

Conditions:
Rhabdoid tumor predisposition syndrome 2 (RTPS2). Identifiers: Orphanet 231108, Orphanet 69077, MedGen C2750074, MONDO:0013224, OMIM 613325.

Submission:

Labcorp Genetics (formerly Invitae), Labcorp
Classification: Uncertain significance for Rhabdoid tumor predisposition syndrome 2. Last evaluated: 2018-10-14. Review status: criteria provided, single submitter. Criteria: Invitae Variant Classification Sherloc (09022015). Collection method: clinical testing. Allele origin: germline.
Comment: In summary, the available evidence is currently insufficient to determine the role of this variant in disease. Therefore, it has been classified as a Variant of Uncertain Significance. Algorithms developed to predict the effect of missense changes on protein structure and function (SIFT, PolyPhen-2, Align-GVGD) all suggest that this variant is likely to be disruptive, but these predictions have not been confirmed by published functional studies and their clinical significance is uncertain. This variant has not been reported in the literature in individuals with SMARCA4-related disease. This variant is not present in population databases (ExAC no frequency). This sequence change replaces arginine with leucine at codon 1650 of the SMARCA4 protein (p.Arg1650Leu). The arginine residue is highly conserved and there is a moderate physicochemical difference between arginine and leucine.

NM_003072.5(SMARCA4):c.4853G>T (p.Arg1618Leu)

Gene: SMARCA4 (SWI/SNF related BAF chromatin remodeling complex subunit ATPase 4; plus strand). Cytogenetic location: 19p13.2.
Variant type: single nucleotide variant.
Coding change: c.4853G>T on transcript NM_003072.5 (MANE Select); coding-DNA position 4853, G replaced by T.
Protein change: p.Arg1618Leu; replaces arginine 1618 with leucine.
Molecular consequence: missense variant. On other transcripts: non-coding transcript variant (1).
Genome position (GRCh38, 1-based): chr19:11,060,129, G>T. VCF-style: chr19-11060129-G-T. GRCh37 (hg19) VCF-style: chr19-11170805-G-T.
Other names: c.4853G>T, p.Arg1618Leu (NM_001128844.3); c.4763G>T, p.Arg1588Leu (NM_001128845.2); c.4760G>T, p.Arg1587Leu (NM_001128846.2); c.4754G>T, p.Arg1585Leu (NM_001128847.4, NM_001374457.1); c.4751G>T, p.Arg1584Leu (NM_001128848.2); c.4949G>T, p.Arg1650Leu (NM_001128849.3, NM_001387283.1); short protein forms R1650L, R1584L, R1585L, R1587L, R1588L, R1618L.
Identifiers: ClinVar variation 653092 (VCV000653092.8), dbSNP rs1029465394, ClinGen allele CA404080737.